The following is an entry in ClinVar:

NC_000016.9:g.(47623014_47627410)_(47630443_47644736)del

Gene: PHKB (phosphorylase kinase regulatory subunit beta; plus strand). Cytogenetic location: 16q12.1.
Variant type: Deletion.
Identifiers: ClinVar variation 2429139 (VCV002429139.3).

ClinVar aggregate classification (germline): Likely pathogenic (1 of 4 stars; one submission).

Conditions:
Glycogen phosphorylase kinase deficiency. Also called: Phosphorylase Kinase Deficiency; Glycogen Storage Disease Type IX. Identifiers: Orphanet 370, MedGen C0268147, MONDO:0700291.

Submission:

Women's Health and Genetics/Laboratory Corporation of America, LabCorp
Classification: Likely pathogenic for Glycogen phosphorylase kinase deficiency. Last evaluated: 2023-01-18. Review status: criteria provided, single submitter. Criteria: LabCorp Variant Classification Summary - May 2015. Collection method: clinical testing. Allele origin: germline.
Comment: Variant summary: The variant identified by MLPA or other technology involves the deletion of exons 11-13 in the PHKB gene. A presumed nomenclature of c.(1068+1_1069-1)_(1363+1_1364-1)del has been designated for the purposes of this classification. It is expected to result in a frameshift in the PHKB gene, a known mechanism of disease. The variant was absent in 21606 control chromosomes in the gnomAD database (structural variants data set). To our knowledge, no occurrence of c.(1068+1_1069-1)_(1363+1_1364-1)del in individuals affected with Glycogen Phosphorylase Kinase Deficiency and no experimental evidence demonstrating its impact on protein function have been reported. No clinical diagnostic laboratories have submitted clinical-significance assessments for this variant to ClinVar after 2014. Based on the evidence outlined above, the variant was classified as likely pathogenic.